The following is an entry in ClinVar:

ClinVar aggregate classification (germline): Pathogenic. Review status: criteria provided, single submitter (1 of 4 stars). 2 submissions from 1 submitter: Pathogenic (1). 1 of the submissions does not count toward it. Last evaluated 2021-09-09.

Conditions:
Familial adenomatous polyposis 1 (FAP1). Also called: POLYPOSIS, ADENOMATOUS INTESTINAL; FAMILIAL ADENOMATOUS POLYPOSIS 1, ATTENUATED. Identifiers: MedGen C2713442, MONDO:0021056, OMIM 175100. Disease mechanism: loss of function.

Submissions (2):

Labcorp Genetics (formerly Invitae), Labcorp
Classification: Pathogenic for Familial adenomatous polyposis 1. Last evaluated: 2021-09-09. Review status: criteria provided, single submitter. Criteria: Invitae Variant Classification Sherloc (09022015). Collection method: clinical testing. Allele origin: germline.

Labcorp Genetics (formerly Invitae), Labcorp
Classification: Pathogenic for Familial adenomatous polyposis 1. Last evaluated: 2019-08-14. Review status: flagged submission. Criteria: Invitae Variant Classification Sherloc (09022015). Collection method: clinical testing. Allele origin: germline. Not counted in ClinVar's aggregate classification.
Comment: A gross deletion of the genomic region encompassing the full coding sequence of the APC gene has been identified. This deletion has been confirmed by an array CGH method to be a large chromosomal deletion on the long arm of chromosome 5 (approximately Chr5:g.88,000,000-158,000,000) that includes the entire APC and entire RAD50 locus. Gross deletions in APC are known to be pathogenic. Similar deletions of the entire coding region of APC have been reported as pathogenic in the literature (PMID: 19279422, 20223039, 24763289). For these reasons, this variant has been classified as Pathogenic.
ClinVar note: Reason: This record appears to be redundant with a more recent record from the same submitter.
ClinVar note: Notes: SCV001195330 appears to be redundant with SCV002240252.

Literature cited by the submitters: PubMed 24763289; PubMed 20223039; PubMed 19279422.

NC_000005.10:g.(?_112801269)_(112844136_?)del

Gene: APC (APC regulator of Wnt signaling pathway; plus strand). Cytogenetic location: 5q22.2.
Variant type: Deletion.
Identifiers: ClinVar variation 831467 (VCV000831467.4).